The following is an entry in ClinVar:

ClinVar aggregate classification (germline): Uncertain significance (1 of 4 stars; one submission).

Conditions:
Spondyloepimetaphyseal dysplasia with joint laxity (SEMDJL). Identifiers: MedGen C0432243, MONDO:0019675.
Ehlers-Danlos syndrome, spondylodysplastic type, 2 (EDSSPD2). Also called: Ehlers-Danlos syndrome, progeroid type, 2. Identifiers: Orphanet 536467, Orphanet 75496, MedGen C3809210, MONDO:0014139, OMIM 615349.

Submission:

Labcorp Genetics (formerly Invitae), Labcorp
Classification: Uncertain significance for Ehlers-Danlos syndrome, spondylodysplastic type, 2; Spondyloepimetaphyseal dysplasia with joint laxity. Last evaluated: 2023-05-11. Review status: criteria provided, single submitter. Criteria: Invitae Variant Classification Sherloc (09022015). Collection method: clinical testing. Allele origin: germline.
Comment: This sequence change replaces histidine, which is basic and polar, with tyrosine, which is neutral and polar, at codon 258 of the B3GALT6 protein (p.His258Tyr). This variant is not present in population databases (gnomAD no frequency). This variant has not been reported in the literature in individuals affected with B3GALT6-related conditions. Advanced modeling of protein sequence and biophysical properties (such as structural, functional, and spatial information, amino acid conservation, physicochemical variation, residue mobility, and thermodynamic stability) performed at Invitae indicates that this missense variant is expected to disrupt B3GALT6 protein function. In summary, the available evidence is currently insufficient to determine the role of this variant in disease. Therefore, it has been classified as a Variant of Uncertain Significance.

NM_080605.4(B3GALT6):c.772C>T (p.His258Tyr)

Gene: B3GALT6 (beta-1,3-galactosyltransferase 6; plus strand). Cytogenetic location: 1p36.33.
Variant type: single nucleotide variant.
Coding change: c.772C>T on transcript NM_080605.4 (MANE Select); coding-DNA position 772, C replaced by T.
Protein change: p.His258Tyr; replaces histidine 258 with tyrosine.
Molecular consequence: missense variant.
Genome position (GRCh38, 1-based): chr1:1,233,050, C>T. VCF-style: chr1-1233050-C-T. GRCh37 (hg19) VCF-style: chr1-1168430-C-T.
Other names: short protein forms H258Y.
Identifiers: ClinVar variation 2947637 (VCV002947637.3), dbSNP rs2521972358, ClinGen allele CA337829346.